The following is an entry in ClinVar:

ClinVar aggregate classification (germline): Pathogenic. Review status: criteria provided, multiple submitters, no conflicts (2 of 4 stars). 14 submissions from 14 submitters: Pathogenic (11). 3 of the submissions do not count toward it. Last evaluated 2026-01-12.

Conditions:
Inborn genetic diseases. Identifiers: MedGen C0950123, MeSH D030342.
Wilson disease (WND). Also called: Wilson's disease. Identifiers: Orphanet 905, MedGen C0019202, MONDO:0010200, OMIM 277900. Disease mechanism: loss of function.

Allele frequency attached by ClinVar (database versions not stated): gnomAD 0.00013; TOPMed 0.00005; 1000 Genomes Project 30x 0.00016.
gnomAD v4.1: 22 of 1,613,962 alleles (0.0014%); highest among the groups gnomAD compares: East Asian, 0.047%; no homozygotes.

Submissions 1 to 8 of 14:

Natera, Inc.
Classification: Pathogenic for Wilson disease. Last evaluated: 2026-01-12. Review status: criteria provided, single submitter. Criteria: Natera Variant Classification Schema (03/2026). Collection method: clinical testing. Allele origin: germline.
Comment: The c.2755C>G variant in ATP7B is a missense variant predicted to cause substitution of arginine to glycine at amino acid 919. This variant is rare in the general population with a frequency below the threshold expected for the associated phenotype(s). This variant has been observed in one or more individuals affected with the associated recessive disease, as either homozygous or compound heterozygous with a second variant (PMID: 34324271, 17517077, 12376745, 11479773). Additionally, this variant has been observed to segregate in affected family members (PMID: 12376745). A different variant at the same position has been determined to be Pathogenic or Likely Pathogenic. Computational prediction algorithms indicate this variant is likely to affect gene or protein function. Given the available evidence, this variant is classified as Pathogenic.

Variantyx, Inc.
Classification: Pathogenic for Wilson disease. Last evaluated: 2026-01-08. Review status: criteria provided, single submitter. Criteria: Variantyx Assertion Criteria 2022. Collection method: clinical testing. Allele origin: germline. Inheritance: Autosomal recessive inheritance. Affected: no.
Comment: This is a nonsynonymous variant in the ATP7B gene (OMIM: 606882). Pathogenic variants in this gene have been associated with autosomal recessive Wilson disease. This variant has been identified in the homozygous or compound heterozygous state in at least 4 individuals reported in the published literature (PMID: 29637721, 12376745, 21796144, 37020998) (PM3_Strong) and has been observed to segregate with disease in at least 3 individuals from one family (PMID: 12376745) (PP1). Functional studies have shown that this variant alters ATP7B protein function (PMID: 29637721) (PS3), and multiple computational algorithms predict a deleterious effect for this variant (REVEL score: 0.762) (PP3). Moreover, an alternate amino acid changes at this position (p.Arg919Trp) has been previously reported in similarly affected individuals, which suggests that this residue is biologically important (PMID: 23219664, 25089800) (PM5). This variant has a 0.0468% maximum allele frequency in non-founder control populations (PM2). Based on the current evidence, this variant is classified as pathogenic for autosomal recessive Wilson disease.

Labcorp Genetics (formerly Invitae), Labcorp
Classification: Pathogenic for Wilson disease. Last evaluated: 2025-02-20. Review status: criteria provided, single submitter. Criteria: Invitae Variant Classification Sherloc (09022015). Collection method: clinical testing. Allele origin: germline.
Comment: This sequence change replaces arginine, which is basic and polar, with glycine, which is neutral and non-polar, at codon 919 of the ATP7B protein (p.Arg919Gly). This variant is present in population databases (rs121907993, gnomAD 0.05%). This missense change has been observed in individual(s) with Wilson disease (PMID: 12376745, 17680703, 21796144; internal data). In at least one individual the data is consistent with being in trans (on the opposite chromosome) from a pathogenic variant. It has also been observed to segregate with disease in related individuals. ClinVar contains an entry for this variant (Variation ID: 3857). Invitae Evidence Modeling of protein sequence and biophysical properties (such as structural, functional, and spatial information, amino acid conservation, physicochemical variation, residue mobility, and thermodynamic stability) indicates that this missense variant is expected to disrupt ATP7B protein function with a positive predictive value of 80%. Experimental studies have shown that this missense change does not substantially affect ATP7B function (PMID: 26032686). For these reasons, this variant has been classified as Pathogenic.

Ambry Genetics
Classification: Pathogenic for Inborn genetic diseases. Last evaluated: 2024-04-30. Review status: criteria provided, single submitter. Criteria: Ambry Variant Classification Scheme 2023. Collection method: clinical testing. Allele origin: germline.
Comment: The c.2755C>G (p.R919G) alteration is located in exon 12 (coding exon 12) of the ATP7B gene. This alteration results from a C to G substitution at nucleotide position 2755, causing the arginine (R) at amino acid position 919 to be replaced by a glycine (G). Based on data from gnomAD, the G allele has an overall frequency of 0.004% (11/280118) total alleles studied. The highest observed frequency was 0.056% (11/19518) of East Asian alleles. This variant has been identified in the homozygous state and in conjunction with other ATP7B variants in individuals with features consistent with Wilson disease; in at least one instance, the variants were identified in trans (Zhang, 2022; Zhou, 2022; Fang, 2021; Xiao, 2021; Wang, 2018; Yu, 2017; Hua, 2016; Liu, 2015; Li, 2013; Wang, 2011; Takeshita, 2002). This amino acid position is not well conserved in available vertebrate species. This alteration is predicted to be deleterious by in silico analysis. Based on the available evidence, this alteration is classified as pathogenic.

Baylor Genetics
Classification: Pathogenic for Wilson disease. Last evaluated: 2024-03-03. Review status: criteria provided, single submitter. Criteria: ACMG Guidelines, 2015. Collection method: clinical testing. Allele origin: unknown.

All of Us Research Program, National Institutes of Health
Classification: Pathogenic for Wilson disease. Last evaluated: 2023-11-20. Review status: criteria provided, single submitter. Criteria: ACMG Guidelines, 2015. Collection method: clinical testing. Allele origin: germline. Inheritance: Autosomal recessive inheritance. Observed: 3 variant alleles, 3 heterozygotes.
Comment: This missense variant replaces arginine with glycine at codon 919 of the ATP7B protein. Computational prediction suggests that this variant may have deleterious impact on protein structure and function (internally defined REVEL score threshold >= 0.7, PMID: 27666373). This variant alters a conserved arginine residue in the transmembrane domain M3 of the ATP7B protein (a.a. 918 - 946), a highly conserved region that is considered to be important for ATP7B protein function (PMID: 35245129; ClinVar). Functional studies have shown that his variant causes higher levels of copper and normal sub-cellular localization compared to wild type (PMID: 26032686). This variant has been reported in many individuals affected with Wilson disease (PMID: 9452121, 10453196, 10790207, 11405812, 12376745, 14986826, 16998622, 17517077, 17587212, 18034201, 20453399, 21796144, 22940187, 23235335, 23275100, 24718822, 25130000, 25704634, 26807378, 27022412, 29930488, 31172689, 33879678, 34240825). In several of these individuals, this variant was reported in the compound heterozygous state or homozygous state (PMID: 12376745, 17517077, 21796144, 23275100, 25130000). This variant segregated with disease in one family with 3 affected siblings (PMID: 12376745). This variant has been identified in 11/280118 chromosomes in the general population by the Genome Aggregation Database (gnomAD). Based on the available evidence, this variant is classified as Pathogenic.

This study involves interpretation of variants in research participants for the purpose of population health screening. Participant phenotype was not available at the time of variant classification. Additional details can be found in publication PMID: 35346344, PMCID: PMC8962531

Color Diagnostics, LLC DBA Color Health
Classification: Pathogenic for Wilson disease. Last evaluated: 2023-10-23. Review status: criteria provided, single submitter. Criteria: ACMG Guidelines, 2015. Collection method: clinical testing. Allele origin: germline.
Comment: This missense variant replaces arginine with glycine at codon 919 of the ATP7B protein. Computational prediction suggests that this variant may have deleterious impact on protein structure and function. This variant alters a conserved arginine residue in the transmembrane domain M3 of the ATP7B protein (a.a. 918 - 946), a highly conserved region that is considered to be important for ATP7B protein function (PMID: 35245129ClinVar). Functional studies have shown that his variant causes higher levels of copper and normal sub-cellular localization compared to wild type (PMID: 26032686). This variant has been reported in many individuals affected with Wilson disease (PMID: 9452121, 10453196, 10790207, 11405812, 12376745, 14986826, 16998622, 17517077, 17587212, 18034201, 20453399, 21796144, 22940187, 23235335, 23275100, 24718822, 25130000, 25704634, 26807378, 27022412, 29930488, 31172689, 33879678, 34240825). In several of these individuals, this variant was reported in the compound heterozygous state or homozygous state (PMID: 12376745, 17517077, 21796144, 23275100, 25130000). This variant segregated with disease in one family with 3 affected siblings (PMID: 12376745). This variant has been identified in 11/280118 chromosomes in the general population by the Genome Aggregation Database (gnomAD). Based on the available evidence, this variant is classified as Pathogenic.

Genome-Nilou Lab
Classification: Pathogenic for Wilson disease. Last evaluated: 2021-08-10. Review status: criteria provided, single submitter. Criteria: ACMG Guidelines, 2015. Collection method: clinical testing. Allele origin: germline. Affected: no.

NM_000053.4(ATP7B):c.2755C>G (p.Arg919Gly)

Gene: ATP7B (ATPase copper transporting beta; minus strand). Cytogenetic location: 13q14.3.
Variant type: single nucleotide variant.
Coding change: c.2755C>G on transcript NM_000053.4 (MANE Select); coding-DNA position 2755, C replaced by G.
Protein change: p.Arg919Gly; replaces arginine 919 with glycine.
Molecular consequence: missense variant. On other transcripts: intron variant (1).
Genome position (GRCh38, 1-based): chr13:51,949,772, G>C on the plus strand (C>G on the coding strand, the complement: ATP7B is on the minus strand). VCF-style: chr13-51949772-G-C. GRCh37 (hg19) VCF-style: chr13-52523908-G-C.
Other names: c.2422C>G, p.Arg808Gly (NM_001243182.2); c.2521C>G, p.Arg841Gly (NM_001330578.2); c.2503C>G, p.Arg835Gly (NM_001330579.2); c.2244+235C>G (NM_001005918.3); short protein forms R919G, R808G, R841G, R835G.
Identifiers: ClinVar variation 3857 (VCV000003857.31), dbSNP rs121907993, ClinGen allele CA252895.